The following is an entry in ClinVar:

NM_000214.3(JAG1):c.302T>A (p.Val101Asp)

Gene: JAG1 (jagged canonical Notch ligand 1; minus strand). Cytogenetic location: 20p12.2.
Variant type: single nucleotide variant.
Coding change: c.302T>A on transcript NM_000214.3 (MANE Select); coding-DNA position 302, T replaced by A.
Protein change: p.Val101Asp; replaces valine 101 with aspartic acid.
Molecular consequence: missense variant.
Genome position (GRCh38, 1-based): chr20:10,672,786, A>T on the plus strand (T>A on the coding strand, the complement: JAG1 is on the minus strand). VCF-style: chr20-10672786-A-T. GRCh37 (hg19) VCF-style: chr20-10653434-A-T.
Other names: short protein forms V101D.
Identifiers: ClinVar variation 3573441 (VCV003573441.2).

Conditions:
Arteriohepatic dysplasia. Also called: Alagille Syndrome. Identifiers: Orphanet 52, MedGen C0085280, MeSH D016738, MONDO:0007318.

Submission:

Gilbert/Spinner Lab, Children's Hospital of Philadelphia
No classification provided (evidence only). Condition: Alagille syndrome. Review status: no classification provided. Collection method: research. Allele origin: not applicable. Functional consequence: functionally_abnormal.
ClinVar note: "not provided" was previously submitted as the classification for the variant. However, the classification appeared to be based only on an observation of functional data so it was converted to no classification on 2025-07-30.